The following is an entry in ClinVar:

NM_003630.3(PEX3):c.288-17T>A

Gene: PEX3 (peroxisomal biogenesis factor 3; plus strand). Cytogenetic location: 6q24.2.
Variant type: single nucleotide variant.
Coding change: c.288-17T>A on transcript NM_003630.3 (MANE Select); 17 bases into the intron before coding-DNA position 288, T replaced by A.
Molecular consequence: intron variant.
Genome position (GRCh38, 1-based): chr6:143,468,105, T>A. VCF-style: chr6-143468105-T-A. GRCh37 (hg19) VCF-style: chr6-143789242-T-A.
Other names: p.?.
Identifiers: ClinVar variation 2787646 (VCV002787646.4), dbSNP rs1265131568, ClinGen allele CA1669259758.

ClinVar aggregate classification (germline): Likely benign. Review status: criteria provided, multiple submitters, no conflicts (2 of 4 stars). 2 submissions from 2 submitters: Likely benign (2). Last evaluated 2025-08-14.

Submissions (2):

Mayo Clinic Laboratories, Mayo Clinic
Classification: Likely benign. Last evaluated: 2025-08-14. Review status: criteria provided, single submitter. Criteria: ACMG Guidelines, 2015. Collection method: clinical testing. Allele origin: germline. Observed: 1 variant allele.
Comment: BP4, BP7

Labcorp Genetics (formerly Invitae), Labcorp
Classification: Likely benign. Last evaluated: 2024-05-13. Review status: criteria provided, single submitter. Criteria: Invitae Variant Classification Sherloc (09022015). Collection method: clinical testing. Allele origin: germline.